The following is an entry in ClinVar:

ClinVar aggregate classification (germline): Uncertain significance (1 of 4 stars; one submission).

gnomAD v4.1: 1 of 1,614,186 alleles (0.000062%); highest among the groups gnomAD compares: Non-Finnish European, 0.000085%; no homozygotes.

Submission:

Labcorp Genetics (formerly Invitae), Labcorp
Classification: Uncertain significance. Last evaluated: 2024-05-01. Review status: criteria provided, single submitter. Criteria: Invitae Variant Classification Sherloc (09022015). Collection method: clinical testing. Allele origin: germline.
Comment: This sequence change replaces valine, which is neutral and non-polar, with isoleucine, which is neutral and non-polar, at codon 198 of the GSN protein (p.Val198Ile). This variant is not present in population databases (gnomAD no frequency). This variant has not been reported in the literature in individuals affected with GSN-related conditions. An algorithm developed to predict the effect of missense changes on protein structure and function (PolyPhen-2) suggests that this variant is likely to be tolerated. In summary, the available evidence is currently insufficient to determine the role of this variant in disease. Therefore, it has been classified as a Variant of Uncertain Significance.

NM_198252.3(GSN):c.439G>A (p.Val147Ile)

Gene: GSN (gelsolin; plus strand). Cytogenetic location: 9q33.2.
Variant type: single nucleotide variant.
Coding change: c.439G>A on transcript NM_198252.3 (MANE Select); coding-DNA position 439, G replaced by A.
Protein change: p.Val147Ile; replaces valine 147 with isoleucine.
Molecular consequence: missense variant. On other transcripts: 5 prime UTR variant (1).
Genome position (GRCh38, 1-based): chr9:121,310,771, G>A. VCF-style: chr9-121310771-G-A. GRCh37 (hg19) VCF-style: chr9-124073049-G-A.
Other names: c.439G>A, p.Val147Ile (NM_001127665.2, NM_001353053.1, NM_001353054.1 and 10 more transcripts); c.472G>A, p.Val158Ile (NM_001127666.2, NM_001127667.2, NM_001353067.2 and 13 more transcripts); c.490G>A, p.Val164Ile (NM_001258029.2); c.463G>A, p.Val155Ile (NM_001258030.2); c.592G>A, p.Val198Ile (NM_000177.5); c.547G>A, p.Val183Ile (NM_001127663.2); c.511G>A, p.Val171Ile (NM_001353076.2); c.-216G>A (NM_001353078.2); short protein forms V155I, V171I, V198I, V158I, V164I, V183I, V147I.
Identifiers: ClinVar variation 3699803 (VCV003699803.2).